The following is an entry in ClinVar:

ClinVar aggregate classification (germline): Pathogenic/Likely pathogenic. Review status: criteria provided, multiple submitters, no conflicts (2 of 4 stars). 2 submissions from 2 submitters: Pathogenic (1); Likely pathogenic (1). Last evaluated 2022-10-21.

Conditions:
Telangiectasia, hereditary hemorrhagic, type 2 (HHT2). Also called: Telangiectasia, hereditary hemorrhagic, type II; ACVRL1-Related Hereditary Hemorrhagic Telangiectasia. Identifiers: Orphanet 774, MedGen C1838163, MONDO:0010880, OMIM 600376. Disease mechanism: loss of function.

Submissions (2):

GeneDx
Classification: Likely pathogenic. Last evaluated: 2022-10-21. Review status: criteria provided, single submitter. Criteria: GeneDx Variant Classification Process June 2021. Collection method: clinical testing. Allele origin: germline. Affected: yes.
Comment: Frameshift variant predicted to result in protein truncation or nonsense mediated decay in a gene for which loss of function is a known mechanism of disease; Not observed at significant frequency in large population cohorts (gnomAD); Has not been previously published as pathogenic or benign to our knowledge

Labcorp Genetics (formerly Invitae), Labcorp
Classification: Pathogenic for Telangiectasia, hereditary hemorrhagic, type 2. Last evaluated: 2019-11-07. Review status: criteria provided, single submitter. Criteria: Invitae Variant Classification Sherloc (09022015). Collection method: clinical testing. Allele origin: germline.
Comment: This variant is not present in population databases (ExAC no frequency). For these reasons, this variant has been classified as Pathogenic. Loss-of-function variants in ACVRL1 are known to be pathogenic (PMID: 15879500). This variant has not been reported in the literature in individuals with ACVRL1-related conditions. This sequence change creates a premature translational stop signal (p.Gly283Phefs*107) in the ACVRL1 gene. It is expected to result in an absent or disrupted protein product.

Literature cited by the submitters: PubMed 15879500 (cited by Labcorp Genetics (formerly Invitae), Labcorp).

NM_000020.3(ACVRL1):c.847_853delinsTT (p.Gly283fs)

Gene: ACVRL1 (activin A receptor like type 1; plus strand). Cytogenetic location: 12q13.13.
Variant type: Indel.
Coding change: c.847_853delinsTT on transcript NM_000020.3 (MANE Select); coding-DNA positions 847 to 853, GGCTCCC replaced by TT.
Protein change: p.Gly283fs; shifts the reading frame from glycine 283.
Molecular consequence: frameshift variant.
Genome position (GRCh38, 1-based): chr12:51,915,299-51,915,305, GGCTCCC replaced by TT. VCF-style: chr12-51915299-GGCTCCC-TT. GRCh37 (hg19) VCF-style: chr12-52309083-GGCTCCC-TT.
Other names: c.847_853delinsTT, p.Gly283fs (NM_001077401.2); short protein forms G283fs.
Identifiers: ClinVar variation 968710 (VCV000968710.6), dbSNP rs1940804402, ClinGen allele CA1139662700.